The following is an entry in ClinVar:

ClinVar aggregate classification (germline): Uncertain significance (1 of 4 stars; one submission).

Allele frequency attached by ClinVar (database versions not stated): TOPMed 0.00001; gnomAD 0.00001; 1000 Genomes Project 30x 0.00016.
gnomAD v4.1: 14 of 1,483,190 alleles (0.00094%); highest among the groups gnomAD compares: East Asian, 0.04%; no homozygotes.

Submission:

Labcorp Genetics (formerly Invitae), Labcorp
Classification: Uncertain significance. Last evaluated: 2024-05-22. Review status: criteria provided, single submitter. Criteria: Invitae Variant Classification Sherloc (09022015). Collection method: clinical testing. Allele origin: germline.
Comment: This sequence change creates a premature translational stop signal (p.Trp184*) in the CTF1 gene. While this is not anticipated to result in nonsense mediated decay, it is expected to disrupt the last 18 amino acid(s) of the CTF1 protein. This variant is present in population databases (no rsID available, gnomAD 0.05%). This premature translational stop signal has been observed in individual(s) with acute myocarditis (PMID: 34228484). Experimental studies and prediction algorithms are not available or were not evaluated, and the functional significance of this variant is currently unknown. In summary, the available evidence is currently insufficient to determine the role of this variant in disease. Therefore, it has been classified as a Variant of Uncertain Significance.

Literature cited by the submitters: PubMed 34228484.

NM_001330.5(CTF1):c.551G>A (p.Trp184Ter)

Genes: CTF1 (cardiotrophin 1; plus strand), LOC130058878 (ATAC-STARR-seq lymphoblastoid silent region 7400; plus strand). Cytogenetic location: 16p11.2.
Variant type: single nucleotide variant.
Coding change: c.551G>A on transcript NM_001330.5 (MANE Select); coding-DNA position 551, G replaced by A.
Protein change: p.Trp184Ter; replaces tryptophan 184 with a stop codon.
Molecular consequence: nonsense. On other transcripts: non-coding transcript variant (1).
Genome position (GRCh38, 1-based): chr16:30,902,484, G>A. VCF-style: chr16-30902484-G-A. GRCh37 (hg19) VCF-style: chr16-30913805-G-A.
Other names: c.548G>A, p.Trp183Ter (NM_001142544.3); short protein forms W183*, W184*.
Identifiers: ClinVar variation 2850778 (VCV002850778.3), dbSNP rs1316099233, ClinGen allele CA395619694.